The following is an entry in ClinVar:

NM_001112.4(ADARB1):c.1573G>A (p.Val525Met)

Gene: ADARB1 (adenosine deaminase RNA specific B1; plus strand). Cytogenetic location: 21q22.3.
Variant type: single nucleotide variant.
Coding change: c.1573G>A on transcript NM_001112.4 (MANE Select); coding-DNA position 1573, G replaced by A.
Protein change: p.Val525Met; replaces valine 525 with methionine.
Molecular consequence: missense variant. On other transcripts: non-coding transcript variant (5).
Genome position (GRCh38, 1-based): chr21:45,204,562, G>A. VCF-style: chr21-45204562-G-A. GRCh37 (hg19) VCF-style: chr21-46624477-G-A.
Other names: c.505G>A, p.Val169Met (NM_001145407.1); c.1573G>A, p.Val525Met (NM_001160230.2, NM_001346688.2); c.1840G>A, p.Val614Met (NM_001346687.2); c.1720G>A, p.Val574Met (NM_001410722.1); c.1693G>A, p.Val565Met (NM_015833.4, NM_015834.4); short protein forms V169M, V525M, V565M, V574M, V614M.
Identifiers: ClinVar variation 2431949 (VCV002431949.1), dbSNP rs1416678912, ClinGen allele CA410491546.
Genomic context (GRCh38, chr21:45,204,562, plus strand): 5'-GCGTCGACACTGAGTCCGAGCTCCCTGAAGACTGTGCTTTCTTCTCCCTCCAGCTGGAAC[G>A]TGGTGGGCATCCAGGGATCCCTGCTCAGCATTTTCGTGGAGCCCATTTACTTCTCGAGCA-3'
Protein context (NP_001103.1, residues 515-535): SCSDKIARWN[Val525Met]VGIQGSLLSI

ClinVar aggregate classification (germline): Uncertain significance (1 of 4 stars; one submission).

Conditions:
Neurodevelopmental disorder with hypotonia, microcephaly, and seizures (NEDHYMS). Identifiers: MedGen C5394312, MONDO:0030025, OMIM 618862.

Allele frequency attached by ClinVar (database versions not stated): gnomAD exomes below 0.00001.
gnomAD v4.1: 2 of 1,614,028 alleles (0.00012%); highest among the groups gnomAD compares: Non-Finnish European, 0.00017%; no homozygotes.

Submission:

Laboratorio de Genetica e Diagnostico Molecular, Hospital Israelita Albert Einstein
Classification: Uncertain significance for Neurodevelopmental disorder with hypotonia, microcephaly, and seizures. Last evaluated: 2022-12-14. Review status: criteria provided, single submitter. Criteria: ACMG Guidelines, 2015. Collection method: clinical testing. Allele origin: germline. Affected: yes. Observed: 1 variant allele.
Comment: ACMG classification criteria: PM2 moderated, PP2 supporting, PP3 supporting